The following is an entry in ClinVar:

NM_020822.3(KCNT1):c.1439A>G (p.Asp480Gly)

Gene: KCNT1 (potassium sodium-activated channel subfamily T member 1; plus strand). Cytogenetic location: 9q34.3.
Variant type: single nucleotide variant.
Coding change: c.1439A>G on transcript NM_020822.3 (MANE Select); coding-DNA position 1439, A replaced by G.
Protein change: p.Asp480Gly; replaces aspartic acid 480 with glycine.
Molecular consequence: missense variant.
Genome position (GRCh38, 1-based): chr9:135,768,866, A>G. VCF-style: chr9-135768866-A-G. GRCh37 (hg19) VCF-style: chr9-138660712-A-G.
Other names: c.1439A>G (NM_020822.2); c.1304A>G, p.Asp435Gly (NM_001272003.2); short protein forms D435G, D480G.
Identifiers: ClinVar variation 3776017 (VCV003776017.3).

ClinVar aggregate classification (germline): Likely pathogenic. Review status: criteria provided, multiple submitters, no conflicts (2 of 4 stars). 3 submissions from 3 submitters: Likely pathogenic (3). Last evaluated 2025-07-21.

Conditions:
KCNT1-related disorder. Also called: KCNT1-related condition.
Developmental and epileptic encephalopathy, 14 (DEE14). Also called: Early infantile epileptic encephalopathy 14. Identifiers: Orphanet 293181, MedGen C3554195, MONDO:0013989, OMIM 614959.

Submissions (3):

GeneDx
Classification: Likely pathogenic. Last evaluated: 2025-07-21. Review status: criteria provided, single submitter. Criteria: GeneDx Variant Classification Process June 2021. Collection method: clinical testing. Allele origin: germline. Affected: yes.
Comment: Reported in an individual with neonatal-onset seizures and status epilepticus in published literature (PMID: 31532594); Not observed at significant frequency in large population cohorts (gnomAD); In silico analysis supports that this missense variant has a deleterious effect on protein structure/function; This variant is associated with the following publications: (PMID: 31532594)

PreventionGenetics, part of Exact Sciences
Classification: Likely pathogenic for KCNT1-related condition. Last evaluated: 2024-11-18. Review status: criteria provided, single submitter. Criteria: ACMG Guidelines, 2015. Collection method: clinical testing. Allele origin: germline.
Comment: The KCNT1 c.1439A>G variant is predicted to result in the amino acid substitution p.Asp480Gly. This variant was reported de novo in an individual with Epilepsy of infancy with migrating focal seizures (Kholin et al. 2019. PubMed ID: 31532594). This variant has not been reported in a large population database (gnomAD), indicating this variant is rare. This variant is interpreted as likely pathogenic.

3billion
Classification: Likely pathogenic for Developmental and epileptic encephalopathy, 14. Last evaluated: 2023-07-17. Review status: criteria provided, single submitter. Criteria: ACMG Guidelines, 2015. Collection method: clinical testing. Allele origin: germline. Affected: yes.
Comment: The variant is not observed in the gnomAD v2.1.1 dataset. Predicted Consequence/Location: Missense changes are a common disease-causing mechanism. In silico tool predictions suggest damaging effect of the variant on gene or gene product (REVEL: 0.76; 3Cnet: 0.91). Same nucleotide change resulting in same amino acid change has been previously reported to be associated with KCNT1 related disorder (PMID: 31532594). A different missense change at the same codon (p.Asp480Asn) has been reported to be associated with KCNT1 related disorder (PMID: 32167590). Therefore, this variant is classified as Likely pathogenic according to the recommendation of ACMG/AMP guideline.

Literature cited by the submitters: PubMed 32167590 (cited by 3billion); PubMed 31532594 (cited by 3billion).